The following is an entry in ClinVar:

NM_018100.4(EFHC1):c.723+106C>T

Gene: EFHC1 (EF-hand domain containing 1; plus strand). Cytogenetic location: 6p12.2.
Variant type: single nucleotide variant.
Coding change: c.723+106C>T on transcript NM_018100.4 (MANE Select); 106 bases into the intron after coding-DNA position 723, C replaced by T.
Molecular consequence: intron variant. On other transcripts: non-coding transcript variant (1).
Genome position (GRCh38, 1-based): chr6:52,452,943, C>T. VCF-style: chr6-52452943-C-T. GRCh37 (hg19) VCF-style: chr6-52317741-C-T.
Other names: c.666+106C>T (NM_001172420.2).
Identifiers: ClinVar variation 1164130 (VCV001164130.18), dbSNP rs190021570, ClinGen allele CA3855825.

ClinVar aggregate classification (germline): Benign. Review status: criteria provided, multiple submitters, no conflicts (2 of 4 stars). 4 submissions from 4 submitters: Benign (2). 2 of the submissions do not count toward it. Last evaluated 2026-02-01.

Conditions:
Myoclonic epilepsy, juvenile, susceptibility to, 1. Also called: Myoclonic Epilepsy, Juvenile, 1; EJM1. Identifiers: MedGen C1850778, MONDO:0020752, OMIM 254770.
Absence seizure. Also called: Absence epilepsy. Identifiers: Orphanet 1941, MedGen C0014553.

Allele frequency attached by ClinVar (database versions not stated): 1000 Genomes Project 30x 0.00016; 1000 Genomes Project 0.00020; ExAC 0.00223.
gnomAD v4.1: 4,438 of 1,600,516 alleles (0.28%); highest among the groups gnomAD compares: Non-Finnish European, 0.35%; 12 homozygotes.

Submissions (4):

CeGaT Center for Human Genetics Tuebingen
Classification: Benign. Last evaluated: 2026-02-01. Review status: criteria provided, single submitter. Criteria: CeGaT Center For Human Genetics Tuebingen Variant Classification Criteria Version 2. Collection method: clinical testing. Allele origin: germline. Affected: yes. Observed: 1 variant allele.
Comment: EFHC1: BS1, BS2

Labcorp Genetics (formerly Invitae), Labcorp
Classification: Benign for Myoclonic epilepsy, juvenile, susceptibility to, 1; Absence seizure. Last evaluated: 2024-10-21. Review status: criteria provided, single submitter. Criteria: Invitae Variant Classification Sherloc (09022015). Collection method: clinical testing. Allele origin: germline.

Diagnostic Laboratory, Department of Genetics, University Medical Center Groningen
Classification: Likely benign. Review status: no assertion criteria provided. Collection method: clinical testing. Allele origin: germline. Affected: yes. Study: VKGL Data-share Consensus. Not counted in ClinVar's aggregate classification.

Genome Diagnostics Laboratory, University Medical Center Utrecht
Classification: Likely benign. Review status: no assertion criteria provided. Collection method: clinical testing. Allele origin: germline. Affected: yes. Study: VKGL Data-share Consensus. Not counted in ClinVar's aggregate classification.